The following is an entry in ClinVar:

ClinVar aggregate classification (germline): Uncertain significance (1 of 4 stars; one submission).

Submission:

Labcorp Genetics (formerly Invitae), Labcorp
Classification: Uncertain significance. Last evaluated: 2024-11-05. Review status: criteria provided, single submitter. Criteria: Invitae Variant Classification Sherloc (09022015). Collection method: clinical testing. Allele origin: germline.
Comment: This sequence change replaces proline, which is neutral and non-polar, with leucine, which is neutral and non-polar, at codon 373 of the MAGEL2 protein (p.Pro373Leu). This variant is not present in population databases (gnomAD no frequency). This variant has not been reported in the literature in individuals affected with MAGEL2-related conditions. Experimental studies and prediction algorithms are not available or were not evaluated, and the functional significance of this variant is currently unknown. In summary, the available evidence is currently insufficient to determine the role of this variant in disease. Therefore, it has been classified as a Variant of Uncertain Significance.

NM_019066.5(MAGEL2):c.1118C>T (p.Pro373Leu)

Gene: MAGEL2 (MAGE family member L2; minus strand). Cytogenetic location: 15q11.2.
Variant type: single nucleotide variant.
Coding change: c.1118C>T on transcript NM_019066.5 (MANE Select); coding-DNA position 1118, C replaced by T.
Protein change: p.Pro373Leu; replaces proline 373 with leucine.
Molecular consequence: missense variant.
Genome position (GRCh38, 1-based): chr15:23,646,625, G>A on the plus strand (C>T on the coding strand, the complement: MAGEL2 is on the minus strand). VCF-style: chr15-23646625-G-A. GRCh37 (hg19) VCF-style: chr15-23891772-G-A.
Other names: short protein forms P373L.
Identifiers: ClinVar variation 3651252 (VCV003651252.2).